The following is an entry in ClinVar:

NM_018943.3(TUBA8):c.877A>C (p.Ser293Arg)

Gene: TUBA8 (tubulin alpha 8; plus strand). Cytogenetic location: 22q11.21.
Variant type: single nucleotide variant.
Coding change: c.877A>C on transcript NM_018943.3 (MANE Select); coding-DNA position 877, A replaced by C.
Protein change: p.Ser293Arg; replaces serine 293 with arginine.
Molecular consequence: missense variant.
Genome position (GRCh38, 1-based): chr22:18,126,855, A>C. VCF-style: chr22-18126855-A-C. GRCh37 (hg19) VCF-style: chr22-18609622-A-C.
Other names: c.679A>C, p.Ser227Arg (NM_001193414.2); short protein forms S227R, S293R.
Identifiers: ClinVar variation 2002299 (VCV002002299.4), dbSNP rs2517709318, ClinGen allele CA410264751.
Genomic context (GRCh38, chr22:18,126,855, plus strand): 5'-GCGCCCATCATCTCTGCCGAGAAAGCCTATCACGAACAGCTCTCTGTGGCCGAGATAACC[A>C]GCTCCTGCTTTGAGCCCAACAGCCAGATGGTGAAGTGCGACCCGAGACATGGCAAGTACA-3'
Protein context (NP_061816.1, residues 283-303): HEQLSVAEIT[Ser293Arg]SCFEPNSQMV

ClinVar aggregate classification (germline): Uncertain significance (1 of 4 stars; one submission).

Submission:

Labcorp Genetics (formerly Invitae), Labcorp
Classification: Uncertain significance. Last evaluated: 2022-11-07. Review status: criteria provided, single submitter. Criteria: Invitae Variant Classification Sherloc (09022015). Collection method: clinical testing. Allele origin: germline.
Comment: In summary, the available evidence is currently insufficient to determine the role of this variant in disease. Therefore, it has been classified as a Variant of Uncertain Significance. Advanced modeling of protein sequence and biophysical properties (such as structural, functional, and spatial information, amino acid conservation, physicochemical variation, residue mobility, and thermodynamic stability) performed at Invitae indicates that this missense variant is not expected to disrupt TUBA8 protein function. This variant has not been reported in the literature in individuals affected with TUBA8-related conditions. This variant is not present in population databases (gnomAD no frequency). This sequence change replaces serine, which is neutral and polar, with arginine, which is basic and polar, at codon 293 of the TUBA8 protein (p.Ser293Arg).